The following is an entry in ClinVar:

NM_000057.4(BLM):c.1711A>G (p.Met571Val)

Gene: BLM (BLM RecQ like helicase; plus strand). Cytogenetic location: 15q26.1.
Variant type: single nucleotide variant.
Coding change: c.1711A>G on transcript NM_000057.4 (MANE Select); coding-DNA position 1711, A replaced by G.
Protein change: p.Met571Val; replaces methionine 571 with valine.
Molecular consequence: missense variant.
Genome position (GRCh38, 1-based): chr15:90,761,084, A>G. VCF-style: chr15-90761084-A-G. GRCh37 (hg19) VCF-style: chr15-91304314-A-G.
Other names: c.1711A>G, p.Met571Val (NM_001287246.2, NM_001287247.2); c.586A>G, p.Met196Val (NM_001287248.2); short protein forms M196V, M571V.
Identifiers: ClinVar variation 3223995 (VCV003223995.1), dbSNP rs2505428289, ClinGen allele CA393843681.

ClinVar aggregate classification (germline): Uncertain significance (1 of 4 stars; one submission).

Conditions:
Hereditary cancer-predisposing syndrome. Also called: Tumor predisposition; Hereditary neoplastic syndrome; Hereditary Cancer Syndrome; Neoplastic Syndromes, Hereditary. Identifiers: Orphanet 140162, MedGen C0027672, MeSH D009386, MONDO:0015356.

Submission:

Ambry Genetics
Classification: Uncertain significance for Hereditary cancer-predisposing syndrome. Last evaluated: 2024-02-26. Review status: criteria provided, single submitter. Criteria: Ambry Variant Classification Scheme 2023. Collection method: clinical testing. Allele origin: germline.
Comment: The p.M571V variant (also known as c.1711A>G), located in coding exon 6 of the BLM gene, results from an A to G substitution at nucleotide position 1711. The methionine at codon 571 is replaced by valine, an amino acid with highly similar properties. This amino acid position is conserved. In addition, this alteration is predicted to be tolerated by in silico analysis. Based on the available evidence, the clinical significance of this alteration remains unclear.